The following is an entry in ClinVar:

NM_153603.4(COG7):c.1645A>G (p.Ile549Val)

Gene: COG7 (component of oligomeric golgi complex 7; minus strand). Cytogenetic location: 16p12.2.
Variant type: single nucleotide variant.
Coding change: c.1645A>G on transcript NM_153603.4 (MANE Select); coding-DNA position 1645, A replaced by G.
Protein change: p.Ile549Val; replaces isoleucine 549 with valine.
Molecular consequence: missense variant.
Genome position (GRCh38, 1-based): chr16:23,406,093, T>C on the plus strand (A>G on the coding strand, the complement: COG7 is on the minus strand). VCF-style: chr16-23406093-T-C. GRCh37 (hg19) VCF-style: chr16-23417414-T-C.
Other names: c.1645A>G (NM_153603.3); short protein forms I549V.
Identifiers: ClinVar variation 2698302 (VCV002698302.2), dbSNP rs1176951375, ClinGen allele CA395118497.

ClinVar aggregate classification (germline): Uncertain significance. Review status: criteria provided, multiple submitters, no conflicts (2 of 4 stars). 2 submissions from 2 submitters: Uncertain significance (2). Last evaluated 2025-06-05.

Conditions:
Inborn genetic diseases. Identifiers: MedGen C0950123, MeSH D030342.
COG7 congenital disorder of glycosylation (CDG2E). Also called: CONGENITAL DISORDER OF GLYCOSYLATION, TYPE IIe; CDG IIe. Identifiers: Orphanet 79333, MedGen C2931010, MONDO:0012118, OMIM 608779.

Allele frequency attached by ClinVar (database versions not stated): gnomAD 0.00001; TOPMed 0.00001.
gnomAD v4.1: 30 of 1,613,944 alleles (0.0019%); highest among the groups gnomAD compares: Non-Finnish European, 0.0025%; no homozygotes.

Submissions (2):

Ambry Genetics
Classification: Uncertain significance for Inborn genetic diseases. Last evaluated: 2025-06-05. Review status: criteria provided, single submitter. Criteria: Ambry Variant Classification Scheme 2023. Collection method: clinical testing. Allele origin: germline.

Labcorp Genetics (formerly Invitae), Labcorp
Classification: Uncertain significance for COG7 congenital disorder of glycosylation. Last evaluated: 2023-08-01. Review status: criteria provided, single submitter. Criteria: Invitae Variant Classification Sherloc (09022015). Collection method: clinical testing. Allele origin: germline.
Comment: Advanced modeling of protein sequence and biophysical properties (such as structural, functional, and spatial information, amino acid conservation, physicochemical variation, residue mobility, and thermodynamic stability) performed at Invitae indicates that this missense variant is not expected to disrupt COG7 protein function. In summary, the available evidence is currently insufficient to determine the role of this variant in disease. Therefore, it has been classified as a Variant of Uncertain Significance. This variant has not been reported in the literature in individuals affected with COG7-related conditions. This variant is present in population databases (no rsID available, gnomAD 0.002%). This sequence change replaces isoleucine, which is neutral and non-polar, with valine, which is neutral and non-polar, at codon 549 of the COG7 protein (p.Ile549Val).